The following is an entry in ClinVar:

NM_033163.5(FGF8):c.232C>T (p.Arg78Cys)

Gene: FGF8 (fibroblast growth factor 8; minus strand). Cytogenetic location: 10q24.32.
Variant type: single nucleotide variant.
Coding change: c.232C>T on transcript NM_033163.5 (MANE Select); coding-DNA position 232, C replaced by T.
Protein change: p.Arg78Cys; replaces arginine 78 with cysteine.
Molecular consequence: missense variant. On other transcripts: 5 prime UTR variant (1).
Genome position (GRCh38, 1-based): chr10:101,774,837, G>A on the plus strand (C>T on the coding strand, the complement: FGF8 is on the minus strand). VCF-style: chr10-101774837-G-A. GRCh37 (hg19) VCF-style: chr10-103534594-G-A.
Other names: c.-81C>T (NM_001206389.2); c.145C>T, p.Arg49Cys (NM_006119.6); c.199C>T, p.Arg67Cys (NM_033164.4); c.112C>T, p.Arg38Cys (NM_033165.5); short protein forms R38C, R67C, R78C, R49C.
Identifiers: ClinVar variation 2117899 (VCV002117899.4), dbSNP rs2539366976, ClinGen allele CA377836989.

ClinVar aggregate classification (germline): Uncertain significance (1 of 4 stars; one submission).

Allele frequency attached by ClinVar (database versions not stated): gnomAD exomes below 0.00001.
gnomAD v4.1: 1 of 1,613,870 alleles (0.000062%); highest among the groups gnomAD compares: South Asian, 0.0011%; no homozygotes.

Submission:

Labcorp Genetics (formerly Invitae), Labcorp
Classification: Uncertain significance. Last evaluated: 2022-06-16. Review status: criteria provided, single submitter. Criteria: Invitae Variant Classification Sherloc (09022015). Collection method: clinical testing. Allele origin: germline.
Comment: In summary, the available evidence is currently insufficient to determine the role of this variant in disease. Therefore, it has been classified as a Variant of Uncertain Significance. Algorithms developed to predict the effect of missense changes on protein structure and function are either unavailable or do not agree on the potential impact of this missense change (SIFT: "Deleterious"; PolyPhen-2: "Possibly Damaging"; Align-GVGD: "Class C0"). This variant has not been reported in the literature in individuals affected with FGF8-related conditions. This variant is not present in population databases (gnomAD no frequency). This sequence change replaces arginine, which is basic and polar, with cysteine, which is neutral and slightly polar, at codon 78 of the FGF8 protein (p.Arg78Cys).